The following is an entry in ClinVar:

NM_030973.4(MED25):c.965A>G (p.Gln322Arg)

Gene: MED25 (mediator complex subunit 25; plus strand). Cytogenetic location: 19q13.33.
Variant type: single nucleotide variant.
Coding change: c.965A>G on transcript NM_030973.4 (MANE Select); coding-DNA position 965, A replaced by G.
Protein change: p.Gln322Arg; replaces glutamine 322 with arginine.
Molecular consequence: missense variant.
Genome position (GRCh38, 1-based): chr19:49,830,751, A>G. VCF-style: chr19-49830751-A-G. GRCh37 (hg19) VCF-style: chr19-50334008-A-G.
Other names: c.965A>G, p.Gln322Arg (NM_001378355.1); short protein forms Q322R.
Identifiers: ClinVar variation 2918803 (VCV002918803.3), dbSNP rs2123880098, ClinGen allele CA406915011.

ClinVar aggregate classification (germline): Uncertain significance (1 of 4 stars; one submission).

Conditions:
Charcot-Marie-Tooth disease type 2. Also called: Charcot-Marie-Tooth type 2. Identifiers: Orphanet 64746, MedGen C0270914, MONDO:0018993.

Submission:

Labcorp Genetics (formerly Invitae), Labcorp
Classification: Uncertain significance for Charcot-Marie-Tooth disease type 2. Last evaluated: 2023-01-26. Review status: criteria provided, single submitter. Criteria: Invitae Variant Classification Sherloc (09022015). Collection method: clinical testing. Allele origin: germline.
Comment: In summary, the available evidence is currently insufficient to determine the role of this variant in disease. Therefore, it has been classified as a Variant of Uncertain Significance. This sequence change replaces glutamine, which is neutral and polar, with arginine, which is basic and polar, at codon 322 of the MED25 protein (p.Gln322Arg). This variant is not present in population databases (gnomAD no frequency). This variant has not been reported in the literature in individuals affected with MED25-related conditions. Algorithms developed to predict the effect of missense changes on protein structure and function are either unavailable or do not agree on the potential impact of this missense change (SIFT: "Deleterious"; PolyPhen-2: "Probably Damaging"; Align-GVGD: "Class C0").